The following is an entry in ClinVar:

NM_018082.6(POLR3B):c.1763del (p.Asp588fs)

Gene: POLR3B (RNA polymerase III subunit B; plus strand). Cytogenetic location: 12q23.3.
Variant type: Deletion.
Coding change: c.1763del on transcript NM_018082.6 (MANE Select); coding-DNA position 1763, one base deleted (A; older notation c.1763delA).
Protein change: p.Asp588fs; shifts the reading frame from aspartic acid 588.
Molecular consequence: frameshift variant.
Genome position (GRCh38, 1-based): chr12:106,433,854, A deleted. VCF-style (leftmost placement, unchanged base first): chr12-106433853-GA-G. GRCh37 (hg19) VCF-style: chr12-106827631-GA-G.
Other names: c.1589del, p.Asp530fs (NM_001160708.2); short protein forms D530fs, D588fs.
Identifiers: ClinVar variation 1328976 (VCV001328976.3), dbSNP rs2137005362, ClinGen allele CA2573053589.
Genomic context (GRCh38, chr12:106,433,853, plus strand): 5'-ATCAATGAATTTGTTTCCATCTCAACAAATCTTACAGATCGATGTGTCTATATTTCTTCT[GA>G]TGGGGGAAGGCTATGCAGGTATATATGCAGGTTACTAAAAAGAGTTTTTAAGAATCTCTT-3'

ClinVar aggregate classification (germline): Pathogenic (1 of 4 stars; one submission).

Conditions:
Leukodystrophy, hypomyelinating, 8, with or without oligodontia and/or hypogonadotropic hypogonadism. Also called: Endosteal sclerosis-cerebellar hypoplasia syndrome; Hypomyelinating leukodystrophy 8 with or without oligodontia and-or hypogonadotropic hypogonadism; LEUKODYSTROPHY, HYPOMYELINATING, 8, WITH HYPODONTIA AND HYPOGONADOTROPIC HYPOGONADISM. Identifiers: Orphanet 85186, Orphanet 88637, MedGen C3280644, MONDO:0013722, OMIM 614381.

Submission:

Center for Human Genetics and Genomic Medicine, Uniklinik Rwth Aachen
Classification: Pathogenic for Leukodystrophy, hypomyelinating, 8, with or without oligodontia and/or hypogonadotropic hypogonadism. Last evaluated: 2021-12-23. Review status: criteria provided, single submitter. Criteria: ACMG Guidelines, 2015. Collection method: clinical testing. Allele origin: germline. Affected: yes.
Comment: The variant has not been reported in databases or in the literature. Truncating variants in POLR3B are known to be pathogenic. Based on this, the variant is considered to be likely pathogenic.